The following is an entry in ClinVar:

NM_015915.5(ATL1):c.1027C>G (p.His343Asp)

Gene: ATL1 (atlastin GTPase 1; plus strand). Cytogenetic location: 14q22.1.
Variant type: single nucleotide variant.
Coding change: c.1027C>G on transcript NM_015915.5 (MANE Select); coding-DNA position 1027, C replaced by G.
Protein change: p.His343Asp; replaces histidine 343 with aspartic acid.
Molecular consequence: missense variant.
Genome position (GRCh38, 1-based): chr14:50,621,879, C>G. VCF-style: chr14-50621879-C-G. GRCh37 (hg19) VCF-style: chr14-51088597-C-G.
Other names: c.1027C>G, p.His343Asp (NM_001127713.1, NM_181598.4); short protein forms H343D.
Identifiers: ClinVar variation 1687532 (VCV001687532.2), dbSNP rs2140233521, ClinGen allele CA389673602.

ClinVar aggregate classification (germline): Conflicting classifications of pathogenicity. Review status: criteria provided, conflicting classifications (1 of 4 stars). 2 submissions from 2 submitters: Likely pathogenic (1); Uncertain significance (1). Last evaluated 2022-05-22.

Conditions:
ATL1-related disorder. Also called: ATL1-related condition.
Hereditary spastic paraplegia 3A (SPG3A). Also called: SPASTIC PARAPLEGIA 3, AUTOSOMAL DOMINANT; FAMILIAL SPASTIC PARAPLEGIA, AUTOSOMAL DOMINANT, 1; SPG3; STRUMPELL DISEASE; Spastic Paraplegia 3A; Spastic paraplegia 3A, autosomal dominant. Identifiers: Orphanet 100984, MedGen C2931355, MONDO:0008437, OMIM 182600.

Submissions (2):

3billion
Classification: Uncertain significance for Hereditary spastic paraplegia 3A. Last evaluated: 2022-05-22. Review status: criteria provided, single submitter. Criteria: ACMG Guidelines, 2015. Collection method: clinical testing. Allele origin: germline. Affected: yes. Observed: 1 heterozygote.
Comment: The variant is not observed in the gnomAD v2.1.1 dataset. Missense changes are a common disease-causing mechanism. Therefore, this variant is classified as uncertain significanceaccording to the recommendation of ACMG/AMP guideline.

Blueprint Genetics
Classification: Likely pathogenic for ATL1-related disorders. Last evaluated: 2018-10-11. Review status: criteria provided, single submitter. Criteria: ACMG Guidelines, 2015. Collection method: clinical testing. Allele origin: de novo. Affected: yes. Observed: 1 variant allele.